The following is an entry in ClinVar:

ClinVar aggregate classification (germline): Uncertain significance. Review status: criteria provided, multiple submitters, no conflicts (2 of 4 stars). 3 submissions from 3 submitters: Uncertain significance (3). Last evaluated 2025-11-24.

Conditions:
Hereditary cancer-predisposing syndrome. Also called: Neoplastic Syndromes, Hereditary; Hereditary Cancer Syndrome; Hereditary neoplastic syndrome; Tumor predisposition. Identifiers: Orphanet 140162, MedGen C0027672, MeSH D009386, MONDO:0015356.
DICER1-related tumor predisposition. Also called: DICER1 syndrome; DICER1-related pleuropulmonary blastoma cancer predisposition syndrome. Identifiers: Orphanet 284343, MedGen C3839822, MONDO:0100216.

Allele frequency attached by ClinVar (database versions not stated): TOPMed below 0.00001.

Submissions (3):

Labcorp Genetics (formerly Invitae), Labcorp
Classification: Uncertain significance for DICER1-related tumor predisposition. Last evaluated: 2025-11-24. Review status: criteria provided, single submitter. Criteria: Invitae Variant Classification Sherloc (09022015). Collection method: clinical testing. Allele origin: germline.
Comment: This sequence change replaces leucine, which is neutral and non-polar, with valine, which is neutral and non-polar, at codon 696 of the DICER1 protein (p.Leu696Val). This variant is not present in population databases (gnomAD no frequency). This variant has not been reported in the literature in individuals affected with DICER1-related conditions. ClinVar contains an entry for this variant (Variation ID: 641386). Invitae Evidence Modeling of protein sequence and biophysical properties (such as structural, functional, and spatial information, amino acid conservation, physicochemical variation, residue mobility, and thermodynamic stability) has been performed for this missense variant. However, the output from this modeling did not meet the statistical confidence thresholds required to predict the impact of this variant on DICER1 protein function. In summary, the available evidence is currently insufficient to determine the role of this variant in disease. Therefore, it has been classified as a Variant of Uncertain Significance.

GeneDx
Classification: Uncertain significance. Last evaluated: 2024-07-02. Review status: criteria provided, single submitter. Criteria: GeneDx Variant Classification Process June 2021. Collection method: clinical testing. Allele origin: germline. Affected: yes.
Comment: Not observed at significant frequency in large population cohorts (gnomAD); In silico analysis supports that this missense variant has a deleterious effect on protein structure/function; Has not been previously published as pathogenic or benign to our knowledge

Ambry Genetics
Classification: Uncertain significance for Hereditary cancer-predisposing syndrome. Last evaluated: 2023-12-05. Review status: criteria provided, single submitter. Criteria: Ambry Variant Classification Scheme 2023. Collection method: clinical testing. Allele origin: germline.
Comment: The p.L696V variant (also known as c.2086C>G), located in coding exon 12 of the DICER1 gene, results from a C to G substitution at nucleotide position 2086. The leucine at codon 696 is replaced by valine, an amino acid with highly similar properties. This amino acid position is highly conserved in available vertebrate species. In addition, the in silico prediction for this alteration is inconclusive. Since supporting evidence is limited at this time, the clinical significance of this alteration remains unclear.

NM_177438.3(DICER1):c.2086C>G (p.Leu696Val)

Gene: DICER1 (dicer 1, ribonuclease III; minus strand). Cytogenetic location: 14q32.13.
Variant type: single nucleotide variant.
Coding change: c.2086C>G on transcript NM_177438.3 (MANE Select); coding-DNA position 2086, C replaced by G.
Protein change: p.Leu696Val; replaces leucine 696 with valine.
Molecular consequence: missense variant.
Genome position (GRCh38, 1-based): chr14:95,112,202, G>C on the plus strand (C>G on the coding strand, the complement: DICER1 is on the minus strand). VCF-style: chr14-95112202-G-C. GRCh37 (hg19) VCF-style: chr14-95578539-G-C.
Other names: c.2086C>G, p.Leu696Val (NM_001195573.1, NM_001271282.3, NM_001291628.2 and 1 more transcripts); short protein forms L696V.
Identifiers: ClinVar variation 641386 (VCV000641386.12), dbSNP rs948156641, ClinGen allele CA265912731.